The following is an entry in ClinVar:

NM_000236.3(LIPC):c.605G>C (p.Gly202Ala)

Gene: LIPC (lipase C, hepatic type; plus strand). Cytogenetic location: 15q21.3.
Variant type: single nucleotide variant.
Coding change: c.605G>C on transcript NM_000236.3 (MANE Select); coding-DNA position 605, G replaced by C.
Protein change: p.Gly202Ala; replaces glycine 202 with alanine.
Molecular consequence: missense variant.
Genome position (GRCh38, 1-based): chr15:58,545,772, G>C. VCF-style: chr15-58545772-G-C. GRCh37 (hg19) VCF-style: chr15-58837971-G-C.
Other names: short protein forms G202A.
Identifiers: ClinVar variation 3619313 (VCV003619313.2).

ClinVar aggregate classification (germline): Uncertain significance (1 of 4 stars; one submission).

gnomAD v4.1: 2 of 1,614,174 alleles (0.00012%); highest among the groups gnomAD compares: African/African-American, 0.0013%; no homozygotes.

Submission:

Labcorp Genetics (formerly Invitae), Labcorp
Classification: Uncertain significance. Last evaluated: 2025-01-20. Review status: criteria provided, single submitter. Criteria: Invitae Variant Classification Sherloc (09022015). Collection method: clinical testing. Allele origin: germline.
Comment: This sequence change replaces glycine, which is neutral and non-polar, with alanine, which is neutral and non-polar, at codon 202 of the LIPC protein (p.Gly202Ala). This variant is not present in population databases (gnomAD no frequency). This missense change has been observed in individual(s) with LIPC-related conditions (PMID: 36325899). Invitae Evidence Modeling of protein sequence and biophysical properties (such as structural, functional, and spatial information, amino acid conservation, physicochemical variation, residue mobility, and thermodynamic stability) indicates that this missense variant is expected to disrupt LIPC protein function with a positive predictive value of 80%. In summary, the available evidence is currently insufficient to determine the role of this variant in disease. Therefore, it has been classified as a Variant of Uncertain Significance.

Literature cited by the submitters: PubMed 36325899.